The following is an entry in ClinVar:

ClinVar aggregate classification (germline): Uncertain significance. Review status: criteria provided, multiple submitters, no conflicts (2 of 4 stars). 2 submissions from 2 submitters: Uncertain significance (2). Last evaluated 2024-04-01.

Conditions:
Hereditary cancer-predisposing syndrome. Also called: Tumor predisposition; Hereditary neoplastic syndrome; Hereditary Cancer Syndrome; Neoplastic Syndromes, Hereditary. Identifiers: Orphanet 140162, MedGen C0027672, MeSH D009386, MONDO:0015356.
Gastrointestinal stromal tumor. Also called: Gastrointestinal stroma tumor; Gastrointestinal stromal tumor, somatic. Identifiers: Orphanet 44890, MedGen C0238198, MeSH D046152, MONDO:0011719, OMIM 606764, HP:0100723.

Allele frequency attached by ClinVar (database versions not stated): gnomAD exomes below 0.00001.
gnomAD v4.1: 27 of 1,613,848 alleles (0.0017%); highest among the groups gnomAD compares: Non-Finnish European, 0.0023%; no homozygotes.

Submissions (2):

Ambry Genetics
Classification: Uncertain significance for Hereditary cancer-predisposing syndrome. Last evaluated: 2024-04-01. Review status: criteria provided, single submitter. Criteria: Ambry Variant Classification Scheme 2023. Collection method: clinical testing. Allele origin: germline.
Comment: The p.M622L variant (also known as c.1864A>T), located in coding exon 12 of the PDGFRA gene, results from an A to T substitution at nucleotide position 1864. The methionine at codon 622 is replaced by leucine, an amino acid with highly similar properties. This amino acid position is conserved. In addition, the in silico prediction for this alteration is inconclusive. Since supporting evidence is limited at this time, the clinical significance of this alteration remains unclear.

Labcorp Genetics (formerly Invitae), Labcorp
Classification: Uncertain significance for Gastrointestinal stromal tumor. Last evaluated: 2022-12-09. Review status: criteria provided, single submitter. Criteria: Invitae Variant Classification Sherloc (09022015). Collection method: clinical testing. Allele origin: germline.
Comment: ClinVar contains an entry for this variant (Variation ID: 528540). This variant has not been reported in the literature in individuals affected with PDGFRA-related conditions. This variant is present in population databases (rs774507815, gnomAD 0.0009%). This sequence change replaces methionine, which is neutral and non-polar, with leucine, which is neutral and non-polar, at codon 622 of the PDGFRA protein (p.Met622Leu). Advanced modeling of protein sequence and biophysical properties (such as structural, functional, and spatial information, amino acid conservation, physicochemical variation, residue mobility, and thermodynamic stability) performed at Invitae indicates that this missense variant is not expected to disrupt PDGFRA protein function. In summary, the available evidence is currently insufficient to determine the role of this variant in disease. Therefore, it has been classified as a Variant of Uncertain Significance.

NM_006206.6(PDGFRA):c.1864A>T (p.Met622Leu)

Gene: PDGFRA (platelet derived growth factor receptor alpha; plus strand). Cytogenetic location: 4q12.
Variant type: single nucleotide variant.
Coding change: c.1864A>T on transcript NM_006206.6 (MANE Select); coding-DNA position 1864, A replaced by T.
Protein change: p.Met622Leu; replaces methionine 622 with leucine.
Molecular consequence: missense variant.
Genome position (GRCh38, 1-based): chr4:54,277,465, A>T. VCF-style: chr4-54277465-A-T. GRCh37 (hg19) VCF-style: chr4-55143632-A-T.
Other names: c.1864A>T, p.Met622Leu (NM_001347827.2, NM_001347829.2); c.1939A>T, p.Met647Leu (NM_001347828.2); c.1903A>T, p.Met635Leu (NM_001347830.2); short protein forms M622L, M635L, M647L.
Identifiers: ClinVar variation 528540 (VCV000528540.14), dbSNP rs774507815, ClinGen allele CA96861308.